The following is an entry in ClinVar:

NM_017617.5(NOTCH1):c.5599G>T (p.Val1867Phe)

Gene: NOTCH1 (notch receptor 1; minus strand). Cytogenetic location: 9q34.3.
Variant type: single nucleotide variant.
Coding change: c.5599G>T on transcript NM_017617.5 (MANE Select); coding-DNA position 5599, G replaced by T.
Protein change: p.Val1867Phe; replaces valine 1867 with phenylalanine.
Molecular consequence: missense variant.
Genome position (GRCh38, 1-based): chr9:136,501,787, C>A on the plus strand (G>T on the coding strand, the complement: NOTCH1 is on the minus strand). VCF-style: chr9-136501787-C-A. GRCh37 (hg19) VCF-style: chr9-139396239-C-A.
Other names: short protein forms V1867F.
Identifiers: ClinVar variation 2836419 (VCV002836419.3), dbSNP rs2133328651, ClinGen allele CA375639003.

ClinVar aggregate classification (germline): Uncertain significance (1 of 4 stars; one submission).

Conditions:
Adams-Oliver syndrome 5 (AOS5). Identifiers: Orphanet 974, MedGen C4014970, MONDO:0014459, OMIM 616028.

Submission:

Labcorp Genetics (formerly Invitae), Labcorp
Classification: Uncertain significance for Adams-Oliver syndrome 5. Last evaluated: 2023-02-11. Review status: criteria provided, single submitter. Criteria: Invitae Variant Classification Sherloc (09022015). Collection method: clinical testing. Allele origin: germline.
Comment: This sequence change replaces valine, which is neutral and non-polar, with phenylalanine, which is neutral and non-polar, at codon 1867 of the NOTCH1 protein (p.Val1867Phe). This variant is not present in population databases (gnomAD no frequency). This variant has not been reported in the literature in individuals affected with NOTCH1-related conditions. Advanced modeling of protein sequence and biophysical properties (such as structural, functional, and spatial information, amino acid conservation, physicochemical variation, residue mobility, and thermodynamic stability) performed at Invitae indicates that this missense variant is not expected to disrupt NOTCH1 protein function. Algorithms developed to predict the effect of sequence changes on RNA splicing suggest that this variant may disrupt the consensus splice site. In summary, the available evidence is currently insufficient to determine the role of this variant in disease. Therefore, it has been classified as a Variant of Uncertain Significance.